The following is an entry in ClinVar:

ClinVar aggregate classification (germline): Uncertain significance. Review status: criteria provided, multiple submitters, no conflicts (2 of 4 stars). 2 submissions from 2 submitters: Uncertain significance (2). Last evaluated 2025-10-05.

Conditions:
Osteogenesis imperfecta type I (OI1). Also called: Lobstein disease; OI, TYPE I; OSTEOGENESIS IMPERFECTA TARDA; OSTEOGENESIS IMPERFECTA WITH BLUE SCLERAE; Osteogenesis imperfecta type 1; Lobstein's Disease. Identifiers: Orphanet 216796, Orphanet 666, MedGen C0023931, MONDO:0008146, OMIM 166200. Disease mechanism: loss of function.
Ehlers-Danlos syndrome, classic type, 1 (EDSCL1). Also called: EDS I; EHLERS-DANLOS SYNDROME, GRAVIS TYPE; EHLERS-DANLOS SYNDROME, SEVERE CLASSIC TYPE; Ehlers-Danlos syndrome, type 1; Ehlers-Danlos Syndrome, Classic Type, COL5A1-Related. Identifiers: MedGen C0268335, MONDO:0019567, OMIM 130000.

Allele frequency attached by ClinVar (database versions not stated): gnomAD 0.00001; gnomAD exomes 0.00001; ExAC 0.00002.
gnomAD v4.1: 18 of 1,613,568 alleles (0.0011%); highest among the groups gnomAD compares: East Asian, 0.0022%; no homozygotes.

Submissions (2):

Labcorp Genetics (formerly Invitae), Labcorp
Classification: Uncertain significance for Osteogenesis imperfecta type I; Ehlers-Danlos syndrome, classic type, 1. Last evaluated: 2025-10-05. Review status: criteria provided, single submitter. Criteria: Invitae Variant Classification Sherloc (09022015). Collection method: clinical testing. Allele origin: germline.
Comment: This sequence change replaces arginine, which is basic and polar, with cysteine, which is neutral and slightly polar, at codon 926 of the COL1A2 protein (p.Arg926Cys). This variant is present in population databases (rs745363291, gnomAD 0.01%). This missense change has been observed in individual(s) with Ehlers-Danlos syndrome (PMID: 35723357). ClinVar contains an entry for this variant (Variation ID: 2931363). Invitae Evidence Modeling of protein sequence and biophysical properties (such as structural, functional, and spatial information, amino acid conservation, physicochemical variation, residue mobility, and thermodynamic stability) indicates that this missense variant is expected to disrupt COL1A2 protein function with a positive predictive value of 95%. In summary, the available evidence is currently insufficient to determine the role of this variant in disease. Therefore, it has been classified as a Variant of Uncertain Significance.

Mayo Clinic Laboratories, Mayo Clinic
Classification: Uncertain significance. Last evaluated: 2025-02-15. Review status: criteria provided, single submitter. Criteria: ACMG Guidelines, 2015. Collection method: clinical testing. Allele origin: germline. Observed: 1 variant allele.
Comment: PP3

Literature cited by the submitters: PubMed 35723357 (cited by Labcorp Genetics (formerly Invitae), Labcorp and Mayo Clinic Laboratories, Mayo Clinic).

NM_000089.4(COL1A2):c.2776C>T (p.Arg926Cys)

Gene: COL1A2 (collagen type I alpha 2 chain; plus strand). Cytogenetic location: 7q21.3.
Variant type: single nucleotide variant.
Coding change: c.2776C>T on transcript NM_000089.4 (MANE Select); coding-DNA position 2776, C replaced by T.
Protein change: p.Arg926Cys; replaces arginine 926 with cysteine.
Molecular consequence: missense variant.
Genome position (GRCh38, 1-based): chr7:94,425,219, C>T. VCF-style: chr7-94425219-C-T. GRCh37 (hg19) VCF-style: chr7-94054531-C-T.
Other names: p.Arg926Cys; short protein forms R926C.
Identifiers: ClinVar variation 2931363 (VCV002931363.4), dbSNP rs745363291, ClinGen allele CA4347550.